The following is an entry in ClinVar:

ClinVar aggregate classification (germline): Uncertain significance (1 of 4 stars; one submission).

Conditions:
Immune dysregulation, autoimmunity, and autoinflammation (IDAA). Also called: ACTIVATING PLCG1 VARIANT-ASSOCIATED SYNDROME. Identifiers: MedGen C5848750, MONDO:0957790, OMIM 620514.

Submission:

Broad Center for Mendelian Genomics, Broad Institute of MIT and Harvard
Classification: Uncertain significance for Immune dysregulation, autoimmunity, and autoinflammation. Last evaluated: 2024-06-19. Review status: criteria provided, single submitter. Criteria: ACMG Guidelines, 2015. Collection method: curation. Allele origin: germline. Inheritance: Autosomal recessive inheritance. Study: GREGoR Consortium.
Comment: While this gene is still lacking sufficient evidence to establish a gene-disease relationship, we believe this is a possible novel gene candidate for immune dysregulation, autoimmunity, and autoinflammation. Given the limited information about this gene-disease relationship, the significance of the p.Tyr148His variant is uncertain. If you have any additional information about functional evidence or other individuals with this phenotype that also have variants in STXBP3 we encourage you to reach out to us.

NM_007269.4(STXBP3):c.442T>C (p.Tyr148His)

Gene: STXBP3 (syntaxin binding protein 3; plus strand). Cytogenetic location: 1p13.3.
Variant type: single nucleotide variant.
Coding change: c.442T>C on transcript NM_007269.4 (MANE Select); coding-DNA position 442, T replaced by C.
Protein change: p.Tyr148His; replaces tyrosine 148 with histidine.
Molecular consequence: missense variant.
Genome position (GRCh38, 1-based): chr1:108,772,668, T>C. VCF-style: chr1-108772668-T-C. GRCh37 (hg19) VCF-style: chr1-109315290-T-C.
Other names: NM_007269.4:c.442T>C; short protein forms Y148H.
Identifiers: ClinVar variation 3252048 (VCV003252048.1), dbSNP rs2524492978.